The following is an entry in ClinVar:

ClinVar aggregate classification (germline): Uncertain significance (1 of 4 stars; one submission).

Conditions:
Neurofibromatosis, type 1 (NF1). Also called: VON RECKLINGHAUSEN DISEASE; Neurofibromatosis, type I; NEUROFIBROMATOSIS, TYPE I, SOMATIC; Peripheral type neurofibromatosis. Identifiers: Orphanet 636, MedGen C0027831, MONDO:0018975, OMIM 162200. Disease mechanism: loss of function.

Allele frequency attached by ClinVar (database versions not stated): gnomAD exomes below 0.00001; ExAC 0.00001.
gnomAD v4.1: 1 of 1,609,944 alleles (0.000062%); highest among the groups gnomAD compares: Non-Finnish European, 0.000085%; no homozygotes.

Submission:

Labcorp Genetics (formerly Invitae), Labcorp
Classification: Uncertain significance for Neurofibromatosis, type 1. Last evaluated: 2025-04-16. Review status: criteria provided, single submitter. Criteria: Invitae Variant Classification Sherloc (09022015). Collection method: clinical testing. Allele origin: germline.
Comment: This sequence change falls in intron 39 of the NF1 gene. It does not directly change the encoded amino acid sequence of the NF1 protein. It affects a nucleotide within the consensus splice site. The frequency data for this variant in the population databases is considered unreliable, as metrics indicate poor data quality at this position in the gnomAD database. This variant has not been reported in the literature in individuals affected with NF1-related conditions. ClinVar contains an entry for this variant (Variation ID: 2771408). Variants that disrupt the consensus splice site are a relatively common cause of aberrant splicing (PMID: 17576681, 9536098). Algorithms developed to predict the effect of sequence changes on RNA splicing suggest that this variant is not likely to affect RNA splicing. In summary, the available evidence is currently insufficient to determine the role of this variant in disease. Therefore, it has been classified as a Variant of Uncertain Significance.

Literature cited by the submitters: PubMed 17576681; PubMed 9536098.

NM_001042492.3(NF1):c.6006+6G>T

Gene: NF1 (neurofibromin 1; plus strand). Cytogenetic location: 17q11.2.
Variant type: single nucleotide variant.
Coding change: c.6006+6G>T on transcript NM_001042492.3 (MANE Select); 6 bases into the intron after coding-DNA position 6006, G replaced by T.
Molecular consequence: intron variant.
Genome position (GRCh38, 1-based): chr17:31,335,037, G>T. VCF-style: chr17-31335037-G-T. GRCh37 (hg19) VCF-style: chr17-29662055-G-T.
Other names: c.5943+6G>T (NM_000267.4).
Identifiers: ClinVar variation 2771408 (VCV002771408.3), dbSNP rs779001881, ClinGen allele CA8487281.
Genomic context (GRCh38, chr17:31,335,037, plus strand): 5'-TGAAAAACAGATGTACCCATCTATTCAAGCAAAAATATGGGGAAGCCTTGGGCAGGTATT[G>T]AGTTTGCTCAAATATTTATCTAGTATCTCCTTTGTGCACATATTTATCTGGTGCCACATT-3'